The following is an entry in ClinVar:

ClinVar aggregate classification (germline): Uncertain significance (1 of 4 stars; one submission).

gnomAD v4.1: 6 of 1,613,988 alleles (0.00037%); highest among the groups gnomAD compares: East Asian, 0.0045%; no homozygotes.

Submission:

Labcorp Genetics (formerly Invitae), Labcorp
Classification: Uncertain significance. Last evaluated: 2025-07-16. Review status: criteria provided, single submitter. Criteria: Invitae Variant Classification Sherloc (09022015). Collection method: clinical testing. Allele origin: germline.
Comment: This sequence change replaces glutamic acid, which is acidic and polar, with glutamine, which is neutral and polar, at codon 796 of the TET2 protein (p.Glu796Gln). This variant is not present in population databases (gnomAD no frequency). This variant has not been reported in the literature in individuals affected with TET2-related conditions. An algorithm developed to predict the effect of missense changes on protein structure and function (PolyPhen-2) suggests that this variant is likely to be tolerated. In summary, the available evidence is currently insufficient to determine the role of this variant in disease. Therefore, it has been classified as a Variant of Uncertain Significance.

NM_001127208.3(TET2):c.2386G>C (p.Glu796Gln)

Genes: TET2 (tet methylcytosine dioxygenase 2; plus strand), TET2-AS1 (TET2 antisense RNA 1; minus strand). Cytogenetic location: 4q24.
Variant type: single nucleotide variant.
Coding change: c.2386G>C on transcript NM_001127208.3 (MANE Select); coding-DNA position 2386, G replaced by C.
Protein change: p.Glu796Gln; replaces glutamic acid 796 with glutamine.
Molecular consequence: missense variant.
Genome position (GRCh38, 1-based): chr4:105,236,328, G>C. VCF-style: chr4-105236328-G-C. GRCh37 (hg19) VCF-style: chr4-106157485-G-C.
Other names: c.2386G>C, p.Glu796Gln (NM_017628.4); short protein forms E796Q.
Identifiers: ClinVar variation 4691312 (VCV004691312.1).
Genomic context (GRCh38, chr4:105,236,328, plus strand): 5'-TTTGGCCAGACTAAAGTGGAAGAATGTTTTCATGGTGAAAATCAGTATTCAAAATCAAGC[G>C]AGTTCGAGACTCATAATGTCCAAATGGGACTGGAGGAAGTACAGAATATAAATCGTAGAA-3'
Protein context (NP_001120680.1, residues 786-806): HGENQYSKSS[Glu796Gln]FETHNVQMGL